The following is an entry in ClinVar:

NM_004204.5(PIGQ):c.1531+3A>T

Gene: PIGQ (phosphatidylinositol glycan anchor biosynthesis class Q; plus strand). Cytogenetic location: 16p13.3.
Variant type: single nucleotide variant.
Coding change: c.1531+3A>T on transcript NM_004204.5 (MANE Select); 3 bases into the intron after coding-DNA position 1531, A replaced by T.
Molecular consequence: intron variant.
Genome position (GRCh38, 1-based): chr16:580,975, A>T. VCF-style: chr16-580975-A-T. GRCh37 (hg19) VCF-style: chr16-630975-A-T.
Other names: c.1531+3A>T (NM_148920.4).
Identifiers: ClinVar variation 651619 (VCV000651619.6), dbSNP rs1371249981, ClinGen allele CA722091830.

ClinVar aggregate classification (germline): Uncertain significance (1 of 4 stars; one submission).

Conditions:
Epilepsy. Also called: Seizure disorder. Identifiers: MedGen C0014544, MeSH D004827, MONDO:0005027.

Allele frequency attached by ClinVar (database versions not stated): TOPMed below 0.00001; gnomAD 0.00001.
gnomAD v4.1: 1 of 1,588,730 alleles (0.000063%); highest among the groups gnomAD compares: Non-Finnish European, 0.000086%; no homozygotes.

Submission:

Labcorp Genetics (formerly Invitae), Labcorp
Classification: Uncertain significance for Epilepsy. Last evaluated: 2021-08-06. Review status: criteria provided, single submitter. Criteria: Invitae Variant Classification Sherloc (09022015). Collection method: clinical testing. Allele origin: germline.
Comment: This variant is not present in population databases (ExAC no frequency). This variant has not been reported in the literature in individuals with PIGQ-related disease. Nucleotide substitutions within the consensus splice site are a relatively common cause of aberrant splicing (PMID: 17576681, 9536098). Algorithms developed to predict the effect of sequence changes on RNA splicing suggest that this variant may disrupt the consensus splice site, but this prediction has not been confirmed by published transcriptional studies. In summary, the available evidence is currently insufficient to determine the role of this variant in disease. Therefore, it has been classified as a Variant of Uncertain Significance. This sequence change falls in intron 9 of the PIGQ gene. It does not directly change the encoded amino acid sequence of the PIGQ protein, but it affects a nucleotide within the consensus splice site of the intron.

Literature cited by the submitters: PubMed 17576681; PubMed 9536098.